The following is an entry in ClinVar:

ClinVar aggregate classification (germline): Likely benign (1 of 4 stars; one submission).

Submission:

CeGaT Center for Human Genetics Tuebingen
Classification: Likely benign. Last evaluated: 2025-08-01. Review status: criteria provided, single submitter. Criteria: CeGaT Center For Human Genetics Tuebingen Variant Classification Criteria Version 2. Collection method: clinical testing. Allele origin: germline. Affected: yes. Observed: 1 variant allele.
Comment: ERICH6: BP4, BP7

NM_152394.5(ERICH6):c.138A>G (p.Glu46=)

Genes: ERICH6 (glutamate rich 6; minus strand), ERICH6-AS1 (ERICH6 antisense RNA 1; plus strand). Cytogenetic location: 3q25.1.
Variant type: single nucleotide variant.
Coding change: c.138A>G on transcript NM_152394.5 (MANE Select); coding-DNA position 138, A replaced by G.
Protein change: p.Glu46=; no amino-acid change (glutamic acid 46 retained).
Molecular consequence: synonymous variant. On other transcripts: intron variant (1).
Genome position (GRCh38, 1-based): chr3:150,703,761, T>C on the plus strand (A>G on the coding strand, the complement: ERICH6 is on the minus strand). VCF-style: chr3-150703761-T-C. GRCh37 (hg19) VCF-style: chr3-150421548-T-C.
Other names: c.-36+39A>G (NM_001308234.2).
Identifiers: ClinVar variation 4083713 (VCV004083713.8).
Genomic context (GRCh38, chr3:150,703,761, plus strand): 5'-CTCCTGCTCTTCCCCCACCAACTCCTCCTCCACCACCTCCTCCTCCTCCTCCTCCACCTC[T>C]TCCTCCTCCTCCTCCACCTCTTCCTCCTCCTCCTCCACCTCTTCCTCCTCCTCCTCCTCC-3'
Protein context (NP_689607.2, residues 36-56): EEEEEVEEEE[Glu46=]EVEEEEEEVV